The following is an entry in ClinVar:

NM_001258392.3(CLPB):c.905A>G (p.Glu302Gly)

Gene: CLPB (ClpB family mitochondrial disaggregase; minus strand). Cytogenetic location: 11q13.4.
Variant type: single nucleotide variant.
Coding change: c.905A>G on transcript NM_001258392.3 (MANE Select); coding-DNA position 905, A replaced by G.
Protein change: p.Glu302Gly; replaces glutamic acid 302 with glycine.
Molecular consequence: missense variant.
Genome position (GRCh38, 1-based): chr11:72,317,189, T>C on the plus strand (A>G on the coding strand, the complement: CLPB is on the minus strand). VCF-style: chr11-72317189-T-C. GRCh37 (hg19) VCF-style: chr11-72028233-T-C.
Other names: c.818A>G, p.Glu273Gly (NM_001258393.3); c.860A>G, p.Glu287Gly (NM_001258394.3); c.995A>G, p.Glu332Gly (NM_030813.6); short protein forms E273G, E287G, E302G, E332G.
Identifiers: ClinVar variation 1490410 (VCV001490410.30), dbSNP rs745539947, ClinGen allele CA6171335.
Genomic context (GRCh38, chr11:72,317,189, plus strand): 5'-CTCTCCTGGCCAATGATGTGCTCCTTTAGTCGCTGCTCCAGGGGGAAGCGGCGCCGCTCC[T>C]CAGCCTCACGCTTCCGCTGCTTCTCTTGGTACTGTGGGGAGAGAGGGCAAATGGTTGAGG-3'
Protein context (NP_001245321.1, residues 292-312): YQEKQRKREA[Glu302Gly]ERRRFPLEQR

ClinVar aggregate classification (germline): Uncertain significance. Review status: criteria provided, multiple submitters, no conflicts (2 of 4 stars). 2 submissions from 2 submitters: Uncertain significance (2). Last evaluated 2023-12-01.

Conditions:
3-methylglutaconic aciduria, type VIIB (MGCA7B). Also called: 3-methylglutaconic aciduria, type VII, with cataracts, neurologic involvement and neutropenia; CLPB Deficiency; 3-methylglutaconic aciduria with cataracts, neurologic involvement and neutropenia. Identifiers: Orphanet 445038, MedGen C5676893, MONDO:0014561, OMIM 616271.

Allele frequency attached by ClinVar (database versions not stated): gnomAD exomes below 0.00001; ExAC 0.00001.
gnomAD v4.1: 3 of 1,612,046 alleles (0.00019%); highest among the groups gnomAD compares: Non-Finnish European, 0.00025%; no homozygotes.

Submissions (2):

CeGaT Center for Human Genetics Tuebingen
Classification: Uncertain significance. Last evaluated: 2023-12-01. Review status: criteria provided, single submitter. Criteria: CeGaT Center For Human Genetics Tuebingen Variant Classification Criteria Version 2. Collection method: clinical testing. Allele origin: germline. Affected: yes. Observed: 1 variant allele.
Comment: CLPB: PM2

Labcorp Genetics (formerly Invitae), Labcorp
Classification: Uncertain significance for 3-methylglutaconic aciduria, type VIIB. Last evaluated: 2021-01-04. Review status: criteria provided, single submitter. Criteria: Invitae Variant Classification Sherloc (09022015). Collection method: clinical testing. Allele origin: germline.
Comment: In summary, the available evidence is currently insufficient to determine the role of this variant in disease. Therefore, it has been classified as a Variant of Uncertain Significance. Algorithms developed to predict the effect of missense changes on protein structure and function are either unavailable or do not agree on the potential impact of this missense change (SIFT: "Deleterious"; PolyPhen-2: "Possibly Damaging"; Align-GVGD: "Class C0"). This variant has not been reported in the literature in individuals with CLPB-related conditions. This variant is present in population databases (rs745539947, ExAC 0.002%). This sequence change replaces glutamic acid with glycine at codon 332 of the CLPB protein (p.Glu332Gly). The glutamic acid residue is highly conserved and there is a moderate physicochemical difference between glutamic acid and glycine.